The following is an entry in ClinVar:

ClinVar aggregate classification (germline): Uncertain significance. Review status: criteria provided, multiple submitters, no conflicts (2 of 4 stars). 2 submissions from 2 submitters: Uncertain significance (2). Last evaluated 2023-08-17.

Conditions:
Familial cancer of breast. Also called: Hereditary breast cancer; BREAST CANCER, FAMILIAL; hereditary breast carcinoma. Identifiers: Orphanet 227535, MedGen C0346153, MONDO:0016419, OMIM 114480. Disease mechanism: loss of function.
Ataxia-telangiectasia syndrome (AT). Also called: Ataxia-telangiectasia, complementation group D; AT, COMPLEMENTATION GROUP C; Cerebello-oculocutaneous telangiectasia; Immunodeficiency with ataxia telangiectasia; Ataxia-telangiectasia, complementation group E; LOUIS-BAR SYNDROME. Identifiers: Orphanet 100, MedGen C0004135, MONDO:0008840, OMIM 208900.

Allele frequency attached by ClinVar (database versions not stated): gnomAD exomes below 0.00001.
gnomAD v4.1: 1 of 1,614,052 alleles (0.000062%); highest among the groups gnomAD compares: South Asian, 0.0011%; no homozygotes.

Submissions (2):

Labcorp Genetics (formerly Invitae), Labcorp
Classification: Uncertain significance for Ataxia-telangiectasia syndrome. Last evaluated: 2023-08-17. Review status: criteria provided, single submitter. Criteria: Invitae Variant Classification Sherloc (09022015). Collection method: clinical testing. Allele origin: germline.
Comment: This sequence change replaces serine, which is neutral and polar, with proline, which is neutral and non-polar, at codon 1008 of the ATM protein (p.Ser1008Pro). This variant is not present in population databases (gnomAD no frequency). This variant has not been reported in the literature in individuals affected with ATM-related conditions. ClinVar contains an entry for this variant (Variation ID: 1464355). An algorithm developed to predict the effect of missense changes on protein structure and function (PolyPhen-2) suggests that this variant is likely to be tolerated. In summary, the available evidence is currently insufficient to determine the role of this variant in disease. Therefore, it has been classified as a Variant of Uncertain Significance.

KCCC/NGS Laboratory, Kuwait Cancer Control Center
Classification: Uncertain significance for Familial cancer of breast. Last evaluated: 2023-06-06. Review status: criteria provided, single submitter. Criteria: ACMG Guidelines, 2015. Collection method: clinical testing. Allele origin: germline. Affected: yes.
Comment: A variant of uncertain significance was detected in this sample , This sequence change replaces serine with proline at codon 1008 of the ATM protein (p.Ser1008Pro). The serine residue is not conserved (phyloP100way = -1.01 ) . This variant is not present in population databases (gnomAD). This variant previously reported in ClinVar (ID:1464355) in individuals with Ataxia-telangiectasia syndrome. Benign computational based on PolyPhen, BayesDel_addAF, DANN, EIGEN, , MVP, , PrimateAI and SIFT . These predictions have not been confirmed by published functional studies and their clinical significance is uncertain. In summary, the available evidence is currently insufficient to determine the role of this variant in disease. Therefore, it has been classified as a Variant of Uncertain Significance.

NM_000051.4(ATM):c.3022T>C (p.Ser1008Pro)

Gene: ATM (ATM serine/threonine kinase; plus strand). Cytogenetic location: 11q22.3.
Variant type: single nucleotide variant.
Coding change: c.3022T>C on transcript NM_000051.4 (MANE Select); coding-DNA position 3022, T replaced by C.
Protein change: p.Ser1008Pro; replaces serine 1008 with proline.
Molecular consequence: missense variant.
Genome position (GRCh38, 1-based): chr11:108,271,351, T>C. VCF-style: chr11-108271351-T-C. GRCh37 (hg19) VCF-style: chr11-108142078-T-C.
Other names: c.3022T>C (NM_000051.3); c.3022T>C, p.Ser1008Pro (NM_001351834.2); short protein forms S1008P.
Identifiers: ClinVar variation 1464355 (VCV001464355.9), dbSNP rs2135553747, ClinGen allele CA382547489.